The following is an entry in ClinVar:

ClinVar aggregate classification (germline): Pathogenic/Likely pathogenic. Review status: criteria provided, multiple submitters, no conflicts (2 of 4 stars). 2 submissions from 2 submitters: Pathogenic (1); Likely pathogenic (1). Last evaluated 2021-11-04.

Conditions:
SPAST-related disorder. Also called: SPAST-related condition.
Hereditary spastic paraplegia 4. Also called: Spastic paraplegia 4, autosomal dominant; Familial spastic paraplegia autosomal dominant 2; Spastic Paraplegia 4. Identifiers: Orphanet 100985, MedGen C1866855, MONDO:0008438, OMIM 182601.

Submissions (2):

Blueprint Genetics
Classification: Likely pathogenic for SPAST-related disorders. Last evaluated: 2021-11-04. Review status: criteria provided, single submitter. Criteria: ACMG Guidelines, 2015. Collection method: clinical testing. Allele origin: germline. Affected: yes. Observed: 1 variant allele.

Labcorp Genetics (formerly Invitae), Labcorp
Classification: Pathogenic for Hereditary spastic paraplegia 4. Last evaluated: 2021-09-20. Review status: criteria provided, single submitter. Criteria: Invitae Variant Classification Sherloc (09022015). Collection method: clinical testing. Allele origin: germline.
Comment: For these reasons, this variant has been classified as Pathogenic. This variant disrupts the p.Gly546 amino acid residue in SPAST. Other variant(s) that disrupt this residue have been determined to be pathogenic (Invitae). This suggests that this residue is clinically significant, and that variants that disrupt this residue are likely to be disease-causing. Advanced modeling of protein sequence and biophysical properties (such as structural, functional, and spatial information, amino acid conservation, physicochemical variation, residue mobility, and thermodynamic stability) performed at Invitae indicates that this missense variant is expected to disrupt SPAST protein function. This missense change has been observed in individual(s) with hereditary spastic paraplegia (PMID: 27260292). In at least one individual the variant was observed to be de novo. This variant is not present in population databases (ExAC no frequency). This sequence change replaces glycine with arginine at codon 546 of the SPAST protein (p.Gly546Arg). The glycine residue is highly conserved and there is a moderate physicochemical difference between glycine and arginine.

Literature cited by the submitters: PubMed 27260292 (cited by Labcorp Genetics (formerly Invitae), Labcorp).

NM_014946.4(SPAST):c.1636G>C (p.Gly546Arg)

Gene: SPAST (spastin; plus strand). Cytogenetic location: 2p22.3.
Variant type: single nucleotide variant.
Coding change: c.1636G>C on transcript NM_014946.4 (MANE Select); coding-DNA position 1636, G replaced by C.
Protein change: p.Gly546Arg; replaces glycine 546 with arginine.
Molecular consequence: missense variant. On other transcripts: intron variant (1).
Genome position (GRCh38, 1-based): chr2:32,144,956, G>C. VCF-style: chr2-32144956-G-C. GRCh37 (hg19) VCF-style: chr2-32370025-G-C.
Other names: c.1633G>C, p.Gly545Arg (NM_001363823.2); c.1537G>C, p.Gly513Arg (NM_001363875.2); c.1540G>C, p.Gly514Arg (NM_199436.2); c.1520+1541G>C (NM_001377959.1); short protein forms G546R, G514R, G513R, G545R.
Identifiers: ClinVar variation 1407156 (VCV001407156.7), dbSNP rs2148760843, ClinGen allele CA346504192.
Genomic context (GRCh38, chr2:32,144,956, plus strand): 5'-GGAGGGGAAATAATTTGCTGTTTCTTCCTTCCCTTCCTCAGAATGACTGATGGATACTCA[G>C]GAAGTGACCTAACAGCTTTGGCAAAAGATGCAGCACTGGGTCCTATCCGAGGTAGGTATA-3'
Protein context (NP_055761.2, residues 536-556): QLARMTDGYS[Gly546Arg]SDLTALAKDA